The following is an entry in ClinVar:

NM_001006658.3(CR2):c.3187C>T (p.Arg1063Cys)

Gene: CR2 (complement C3d receptor 2; plus strand). Cytogenetic location: 1q32.2.
Variant type: single nucleotide variant.
Coding change: c.3187C>T on transcript NM_001006658.3 (MANE Select); coding-DNA position 3187, C replaced by T.
Protein change: p.Arg1063Cys; replaces arginine 1063 with cysteine.
Molecular consequence: missense variant.
Genome position (GRCh38, 1-based): chr1:207,480,052, C>T. VCF-style: chr1-207480052-C-T. GRCh37 (hg19) VCF-style: chr1-207653397-C-T.
Other names: c.3010C>T, p.Arg1004Cys (NM_001877.5); short protein forms R1063C, R1004C.
Identifiers: ClinVar variation 540312 (VCV000540312.16), dbSNP rs145499318, ClinGen allele CA1369168.
Genomic context (GRCh38, chr1:207,480,052, plus strand): 5'-TTGATACTTCTTACCTTCTTGATTGTCATTACCTTATACGTGATATCAAAACACAGAGCA[C>T]GGTAAGTTCAAAGGCGAATACTTGATTGACCAACATGCACAAGTGGTTTCGGCTTCTTGT-3'
Protein context (NP_001006659.1, residues 1053-1073): TLYVISKHRA[Arg1063Cys]NYYTDTSQKE

ClinVar aggregate classification (germline): Uncertain significance. Review status: criteria provided, multiple submitters, no conflicts (2 of 4 stars). 7 submissions from 6 submitters: Uncertain significance (7). Last evaluated 2025-08-19.

Conditions:
Inborn genetic diseases. Identifiers: MedGen C0950123, MeSH D030342.
Immunodeficiency, common variable, 7. Identifiers: Orphanet 1572, Orphanet 696894, MedGen C3542922, MONDO:0013862, OMIM 614699.
Systemic lupus erythematosus, susceptibility to, 9. Also called: Systemic lupus erythematosus 9. Identifiers: MedGen C1970455, MONDO:0012584, OMIM 610927.
CR2-related disorder. Also called: CR2-related condition; CR2-related disorders.

Allele frequency attached by ClinVar (database versions not stated): 1000 Genomes Project 0.00040; TOPMed 0.00040; gnomAD 0.00042; ESP Exome Variant Server 0.00046; 1000 Genomes Project 30x 0.00047; gnomAD exomes 0.00047 and 0.00060; ExAC 0.00050.
gnomAD v4.1: 934 of 1,607,614 alleles (0.058%); highest among the groups gnomAD compares: South Asian, 0.091%; 3 homozygotes.

Submissions (7):

Ambry Genetics
Classification: Uncertain significance for Inborn genetic diseases. Last evaluated: 2025-08-19. Review status: criteria provided, single submitter. Criteria: Ambry Variant Classification Scheme 2023. Collection method: clinical testing. Allele origin: germline.

Genome-Nilou Lab
Classification: Uncertain significance for Immunodeficiency, common variable, 7. Last evaluated: 2023-04-11. Review status: criteria provided, single submitter. Criteria: ACMG Guidelines, 2015. Collection method: clinical testing. Allele origin: germline. Affected: no.

PreventionGenetics, part of Exact Sciences
Classification: Uncertain significance for CR2-related condition. Last evaluated: 2022-12-22. Review status: criteria provided, single submitter. Criteria: ACMG Guidelines, 2015. Collection method: clinical testing. Allele origin: germline.
Comment: The CR2 c.3187C>T variant is predicted to result in the amino acid substitution p.Arg1063Cys. To our knowledge, this variant has not been reported in the literature. This variant is reported in 0.091% of alleles in individuals of South Asian descent in gnomAD, including one homozygous individual. Although we suspect that this variant may be benign, at this time, the clinical significance of this variant is uncertain due to the absence of conclusive functional and genetic evidence.

Labcorp Genetics (formerly Invitae), Labcorp
Classification: Uncertain significance for Immunodeficiency, common variable, 7. Last evaluated: 2022-08-23. Review status: criteria provided, single submitter. Criteria: Invitae Variant Classification Sherloc (09022015). Collection method: clinical testing. Allele origin: germline.
Comment: This sequence change replaces arginine, which is basic and polar, with cysteine, which is neutral and slightly polar, at codon 1063 of the CR2 protein (p.Arg1063Cys). This variant is present in population databases (rs145499318, gnomAD 0.09%), and has an allele count higher than expected for a pathogenic variant. This missense change has been observed in individual(s) with common variable immune deficiency (CVID) and decreased memory B cells with an exhausted B cell phenotype (CD21dim) (Invitae). ClinVar contains an entry for this variant (Variation ID: 540312). Algorithms developed to predict the effect of missense changes on protein structure and function are either unavailable or do not agree on the potential impact of this missense change (SIFT: "Tolerated"; PolyPhen-2: "Possibly Damaging"; Align-GVGD: "Class C0"). In summary, the available evidence is currently insufficient to determine the role of this variant in disease. Therefore, it has been classified as a Variant of Uncertain Significance.

Center for Genomics, Ann and Robert H. Lurie Children's Hospital of Chicago
Classification: Uncertain significance for Immunodeficiency, common variable, 7. Last evaluated: 2019-06-20. Review status: criteria provided, single submitter. Criteria: ACMG Guidelines, 2015. Collection method: clinical testing. Allele origin: germline.
Comment: CR2 NM_001006658.2 exon 18 p.Arg1063Cys (c.3187C>T): This variant has not been reported in the literature but is present in 0.09% (28/30602) of South Asian alleles in the Genome Aggregation Database, including one homozygote. This variant is present in ClinVar (Variation ID:540312). Evolutionary conservation and computational predictive tools for this variant are unclear. In summary, data on this variant is insufficient for disease classification. Therefore, the clinical significance of this variant is uncertain.

Breakthrough Genomics
Classification: Uncertain significance. Review status: criteria provided, single submitter. Criteria: ACMG Guidelines, 2015. Collection method: not provided. Allele origin: germline. Inheritance: Autosomal recessive inheritance. Affected: yes.

Center for Genomics, Ann and Robert H. Lurie Children's Hospital of Chicago
Classification: Uncertain significance for Systemic lupus erythematosus, susceptibility to, 9; Immunodeficiency, common variable, 7. Review status: criteria provided, single submitter. Criteria: ACMG Guidelines, 2015. Collection method: clinical testing. Allele origin: germline.
Comment: the same text as in the submission from Center for Genomics, Ann and Robert H. Lurie Children's Hospital of Chicago above.